The following is an entry in ClinVar:

ClinVar aggregate classification (germline): Benign. Review status: criteria provided, multiple submitters, no conflicts (2 of 4 stars). 2 submissions from 2 submitters: Benign (2). Last evaluated 2025-11-10.

Allele frequency attached by ClinVar (database versions not stated): TOPMed 0.00007; ESP Exome Variant Server 0.00023; gnomAD 0.00032; gnomAD exomes 0.00043; ExAC 0.00094; 1000 Genomes Project 30x 0.00109; 1000 Genomes Project 0.00120.
gnomAD v4.1: 669 of 1,596,762 alleles (0.042%); highest among the groups gnomAD compares: South Asian, 0.53%; 8 homozygotes.

Submissions (2):

Labcorp Genetics (formerly Invitae), Labcorp
Classification: Benign. Last evaluated: 2025-11-10. Review status: criteria provided, single submitter. Criteria: Invitae Variant Classification Sherloc (09022015). Collection method: clinical testing. Allele origin: germline.

CeGaT Center for Human Genetics Tuebingen
Classification: Benign. Last evaluated: 2022-06-01. Review status: criteria provided, single submitter. Criteria: CeGaT Center For Human Genetics Tuebingen Variant Classification Criteria Version 2. Collection method: clinical testing. Allele origin: germline. Affected: yes. Observed: 1 variant allele.
Comment: JAK2: BS1, BS2

NM_004972.4(JAK2):c.1860C>T (p.Asp620=)

Genes: INSL6 (insulin like 6; minus strand), JAK2 (Janus kinase 2; plus strand). Cytogenetic location: 9p24.1.
Variant type: single nucleotide variant.
Coding change: c.1860C>T on transcript NM_004972.4 (MANE Select); coding-DNA position 1860, C replaced by T.
Protein change: p.Asp620=; no amino-acid change (aspartic acid 620 retained).
Molecular consequence: synonymous variant. On other transcripts: non-coding transcript variant (2).
Genome position (GRCh38, 1-based): chr9:5,073,781, C>T. VCF-style: chr9-5073781-C-T. GRCh37 (hg19) VCF-style: chr9-5073781-C-T.
Other names: c.1860C>T, p.Asp620= (NM_001322194.2, NM_001322195.2, NM_001322196.2); c.645C>T, p.Asp215= (NM_001322198.2, NM_001322199.2); c.1413C>T, p.Asp471= (NM_001322204.2).
Identifiers: ClinVar variation 2168697 (VCV002168697.28), dbSNP rs375442615, ClinGen allele CA4971976.